The following is an entry in ClinVar:

ClinVar aggregate classification (germline): Conflicting classifications of pathogenicity. Review status: criteria provided, conflicting classifications (1 of 4 stars). 3 submissions from 3 submitters: Uncertain significance (2); Likely benign (1). Last evaluated 2025-10-09.

Conditions:
Hereditary cancer-predisposing syndrome. Also called: Hereditary Cancer Syndrome; Neoplastic Syndromes, Hereditary; Tumor predisposition; Hereditary neoplastic syndrome. Identifiers: Orphanet 140162, MedGen C0027672, MeSH D009386, MONDO:0015356.
Breast-ovarian cancer, familial, susceptibility to, 3. Also called: RAD51C-Related Breast/Ovarian Cancer. Identifiers: Orphanet 145, MedGen C3150659, MONDO:0013253, OMIM 613399.
Fanconi anemia complementation group O. Also called: RAD51C-Related Fanconi Anemia. Identifiers: Orphanet 84, MedGen C3150653, MONDO:0013248, OMIM 613390.

Submissions (3):

Ambry Genetics
Classification: Likely benign for Hereditary cancer-predisposing syndrome. Last evaluated: 2025-10-09. Review status: criteria provided, single submitter. Criteria: Ambry Variant Classification Scheme 2023. Collection method: clinical testing. Allele origin: germline.

Baylor Genetics
Classification: Uncertain significance for Breast-ovarian cancer, familial, susceptibility to, 3. Last evaluated: 2023-10-01. Review status: criteria provided, single submitter. Criteria: ACMG Guidelines, 2015. Collection method: clinical testing. Allele origin: unknown.

Labcorp Genetics (formerly Invitae), Labcorp
Classification: Uncertain significance for Fanconi anemia complementation group O. Last evaluated: 2020-12-01. Review status: criteria provided, single submitter. Criteria: Invitae Variant Classification Sherloc (09022015). Collection method: clinical testing. Allele origin: germline.
Comment: In summary, the available evidence is currently insufficient to determine the role of this variant in disease. Therefore, it has been classified as a Variant of Uncertain Significance. This sequence change replaces phenylalanine with leucine at codon 248 of the RAD51C protein (p.Phe248Leu). The phenylalanine residue is highly conserved and there is a small physicochemical difference between phenylalanine and leucine. This variant is not present in population databases (ExAC no frequency). This variant has not been reported in the literature in individuals with RAD51C-related conditions. ClinVar contains an entry for this variant (Variation ID: 232017). Algorithms developed to predict the effect of missense changes on protein structure and function are either unavailable or do not agree on the potential impact of this missense change (SIFT: "Tolerated"; PolyPhen-2: "Possibly Damaging"; Align-GVGD: "Class C0").

NM_058216.3(RAD51C):c.742T>C (p.Phe248Leu)

Gene: RAD51C (RAD51 paralog C; plus strand). Cytogenetic location: 17q22.
Variant type: single nucleotide variant.
Coding change: c.742T>C on transcript NM_058216.3 (MANE Select); coding-DNA position 742, T replaced by C.
Protein change: p.Phe248Leu; replaces phenylalanine 248 with leucine.
Molecular consequence: missense variant. On other transcripts: non-coding transcript variant (1).
Genome position (GRCh38, 1-based): chr17:58,709,895, T>C. VCF-style: chr17-58709895-T-C. GRCh37 (hg19) VCF-style: chr17-56787256-T-C.
Other names: short protein forms F248L.
Identifiers: ClinVar variation 232017 (VCV000232017.15), dbSNP rs876659496, ClinGen allele CA10580750.